The following is an entry in ClinVar:

ClinVar aggregate classification (germline): Uncertain significance. Review status: criteria provided, multiple submitters, no conflicts (2 of 4 stars). 2 submissions from 2 submitters: Uncertain significance (2). Last evaluated 2025-01-30.

Conditions:
Renal cell carcinoma. Identifiers: Orphanet 217071, MedGen C0007134, MeSH D002292, MONDO:0005086, HP:0005584.
Hereditary cancer-predisposing syndrome. Also called: Hereditary Cancer Syndrome; Hereditary neoplastic syndrome; Neoplastic Syndromes, Hereditary; Tumor predisposition. Identifiers: Orphanet 140162, MedGen C0027672, MeSH D009386, MONDO:0015356.

Allele frequency attached by ClinVar (database versions not stated): gnomAD exomes below 0.00001.
gnomAD v4.1: 2 of 1,614,140 alleles (0.00012%); highest among the groups gnomAD compares: Middle Eastern, 0.017%; no homozygotes.

Submissions (2):

Ambry Genetics
Classification: Uncertain significance for Hereditary cancer-predisposing syndrome. Last evaluated: 2025-01-30. Review status: criteria provided, single submitter. Criteria: Ambry Variant Classification Scheme 2023. Collection method: clinical testing. Allele origin: germline.
Comment: The p.S609N variant (also known as c.1826G>A), located in coding exon 5 of the MET gene, results from a G to A substitution at nucleotide position 1826. The serine at codon 609 is replaced by asparagine, an amino acid with highly similar properties. This amino acid position is well conserved in available vertebrate species. In addition, this alteration is predicted to be tolerated by in silico analysis. Based on the available evidence, the clinical significance of this variant remains unclear.

Labcorp Genetics (formerly Invitae), Labcorp
Classification: Uncertain significance for Renal cell carcinoma. Last evaluated: 2024-04-15. Review status: criteria provided, single submitter. Criteria: Invitae Variant Classification Sherloc (09022015). Collection method: clinical testing. Allele origin: germline.
Comment: This sequence change replaces serine, which is neutral and polar, with asparagine, which is neutral and polar, at codon 609 of the MET protein (p.Ser609Asn). This variant is not present in population databases (gnomAD no frequency). This variant has not been reported in the literature in individuals affected with MET-related conditions. ClinVar contains an entry for this variant (Variation ID: 454200). Advanced modeling of protein sequence and biophysical properties (such as structural, functional, and spatial information, amino acid conservation, physicochemical variation, residue mobility, and thermodynamic stability) performed at Invitae indicates that this missense variant is not expected to disrupt MET protein function with a negative predictive value of 80%. In summary, the available evidence is currently insufficient to determine the role of this variant in disease. Therefore, it has been classified as a Variant of Uncertain Significance.

NM_000245.4(MET):c.1826G>A (p.Ser609Asn)

Gene: MET (MET proto-oncogene, receptor tyrosine kinase; plus strand). Cytogenetic location: 7q31.2.
Variant type: single nucleotide variant.
Coding change: c.1826G>A on transcript NM_000245.4 (MANE Select); coding-DNA position 1826, G replaced by A.
Protein change: p.Ser609Asn; replaces serine 609 with asparagine.
Molecular consequence: missense variant.
Genome position (GRCh38, 1-based): chr7:116,755,479, G>A. VCF-style: chr7-116755479-G-A. GRCh37 (hg19) VCF-style: chr7-116395533-G-A.
Other names: c.1826G>A, p.Ser609Asn (NM_001127500.3, NM_001324401.3); c.536G>A, p.Ser179Asn (NM_001324402.2); short protein forms S609N, S179N.
Identifiers: ClinVar variation 454200 (VCV000454200.11), dbSNP rs1554394973, ClinGen allele CA368978157.
Genomic context (GRCh38, chr7:116,755,479, plus strand): 5'-GATTTCGGAGGAATAATAAATTTGATTTAAAGAAAACTAGAGTTCTCCTTGGAAATGAGA[G>A]CTGCACCTTGACTTTAAGTGAGAGCACGATGAATACGTAAGGATCTTAAAATGCTTTGCT-3'
Protein context (NP_000236.2, residues 599-619): KKTRVLLGNE[Ser609Asn]CTLTLSESTM